The following is an entry in ClinVar:

NM_005097.4(LGI1):c.1316C>T (p.Ser439Leu)

Gene: LGI1 (leucine rich glioma inactivated 1; plus strand). Cytogenetic location: 10q23.33.
Variant type: single nucleotide variant.
Coding change: c.1316C>T on transcript NM_005097.4 (MANE Select); coding-DNA position 1316, C replaced by T.
Protein change: p.Ser439Leu; replaces serine 439 with leucine.
Molecular consequence: missense variant. On other transcripts: non-coding transcript variant (1), intron variant (1).
Genome position (GRCh38, 1-based): chr10:93,797,445, C>T. VCF-style: chr10-93797445-C-T. GRCh37 (hg19) VCF-style: chr10-95557202-C-T.
Other names: c.1172C>T, p.Ser391Leu (NM_001308276.2); c.839-304C>T (NM_001308275.2); c.1316C>T (NM_005097.3); short protein forms S391L, S439L.
Identifiers: ClinVar variation 942032 (VCV000942032.13), dbSNP rs143808356, ClinGen allele CA5611250.

ClinVar aggregate classification (germline): Conflicting classifications of pathogenicity. Review status: criteria provided, conflicting classifications (1 of 4 stars). 3 submissions from 3 submitters: Uncertain significance (2); Likely benign (1). Last evaluated 2025-09-02.

Conditions:
Autosomal dominant epilepsy with auditory features. Identifiers: Orphanet 101046, MedGen C1838062, MONDO:0010898.
Inborn genetic diseases. Identifiers: MedGen C0950123, MeSH D030342.

Allele frequency attached by ClinVar (database versions not stated): gnomAD 0.00002 and 0.00003; TOPMed 0.00002; ExAC 0.00004; gnomAD exomes 0.00005 and 0.00009; ESP Exome Variant Server 0.00015.
gnomAD v4.1: 131 of 1,614,092 alleles (0.0081%); highest among the groups gnomAD compares: Non-Finnish European, 0.011%; no homozygotes.

Submissions (3):

Labcorp Genetics (formerly Invitae), Labcorp
Classification: Uncertain significance for Autosomal dominant epilepsy with auditory features. Last evaluated: 2025-09-02. Review status: criteria provided, single submitter. Criteria: Invitae Variant Classification Sherloc (09022015). Collection method: clinical testing. Allele origin: germline.
Comment: This sequence change replaces serine, which is neutral and polar, with leucine, which is neutral and non-polar, at codon 439 of the LGI1 protein (p.Ser439Leu). This variant is present in population databases (rs143808356, gnomAD 0.01%). This variant has not been reported in the literature in individuals affected with LGI1-related conditions. ClinVar contains an entry for this variant (Variation ID: 942032). Invitae Evidence Modeling of protein sequence and biophysical properties (such as structural, functional, and spatial information, amino acid conservation, physicochemical variation, residue mobility, and thermodynamic stability) indicates that this missense variant is not expected to disrupt LGI1 protein function with a negative predictive value of 80%. In summary, the available evidence is currently insufficient to determine the role of this variant in disease. Therefore, it has been classified as a Variant of Uncertain Significance.

Ambry Genetics
Classification: Likely benign for Inborn genetic diseases. Last evaluated: 2025-06-08. Review status: criteria provided, single submitter. Criteria: Ambry Variant Classification Scheme 2023. Collection method: clinical testing. Allele origin: germline.

Women's Health and Genetics/Laboratory Corporation of America, LabCorp
Classification: Uncertain significance. Last evaluated: 2023-03-30. Review status: criteria provided, single submitter. Criteria: LabCorp Variant Classification Summary - May 2015. Collection method: clinical testing. Allele origin: germline.
Comment: Variant summary: LGI1 c.1316C>T (p.Ser439Leu) results in a non-conservative amino acid change in the encoded protein sequence. Three of five in-silico tools predict a benign effect of the variant on protein function. The variant allele was found at a frequency of 4.8e-05 in 251134 control chromosomes, predominantly at a frequency of 0.00011 within the Non-Finnish European subpopulation in the gnomAD database. To our knowledge, no occurrence of c.1316C>T in individuals affected with Familial Temporal Lobe Epilepsy, and no experimental evidence demonstrating its impact on protein function have been reported. One clinical diagnostic laboratory has submitted a clinical-significance assessment for this variant to ClinVar after 2014 and classified the variant as uncertain significance. Based on the evidence outlined above, the variant was classified as uncertain significance.